The following is an entry in ClinVar:

ClinVar aggregate classification (germline): Uncertain significance. Review status: criteria provided, multiple submitters, no conflicts (2 of 4 stars). 2 submissions from 2 submitters: Uncertain significance (2). Last evaluated 2023-12-05.

Conditions:
Bethlem myopathy 1A. Also called: MYOPATHY, BENIGN CONGENITAL, WITH CONTRACTURES; Bethlem Muscular Dystrophy; Bethlem myopathy 1. Identifiers: Orphanet 610, MedGen CN029274, MONDO:0024530, OMIM 158810.

Submissions (2):

GeneDx
Classification: Uncertain significance. Last evaluated: 2023-12-05. Review status: criteria provided, single submitter. Criteria: GeneDx Variant Classification Process June 2021. Collection method: clinical testing. Allele origin: germline. Affected: yes.
Comment: Initiation codon variant in a gene for which loss of function is a known mechanism of disease; however downstream Methionines are observed and functional data are not available to determine whether this variant is disruptive in this transcript; Not observed at significant frequency in large population cohorts (gnomAD); Has not been previously published as pathogenic or benign to our knowledge; This variant is associated with the following publications: (PMID: 24038877)

Labcorp Genetics (formerly Invitae), Labcorp
Classification: Uncertain significance for Bethlem myopathy 1A. Last evaluated: 2023-10-03. Review status: criteria provided, single submitter. Criteria: Invitae Variant Classification Sherloc (09022015). Collection method: clinical testing. Allele origin: germline.
Comment: This sequence change affects the initiator methionine of the COL6A2 mRNA. The next in-frame methionine is located at codon 59. This variant is not present in population databases (gnomAD no frequency). This variant has not been reported in the literature in individuals affected with COL6A2-related conditions. ClinVar contains an entry for this variant (Variation ID: 846791). Experimental studies and prediction algorithms are not available or were not evaluated, and the functional significance of this variant is currently unknown. In summary, the available evidence is currently insufficient to determine the role of this variant in disease. Therefore, it has been classified as a Variant of Uncertain Significance.

NM_001849.4(COL6A2):c.3G>A (p.Met1Ile)

Gene: COL6A2 (collagen type VI alpha 2 chain; plus strand). Cytogenetic location: 21q22.3.
Variant type: single nucleotide variant.
Coding change: c.3G>A on transcript NM_001849.4 (MANE Select); coding-DNA position 3, G replaced by A.
Protein change: p.Met1Ile; changes the start codon (methionine 1).
Molecular consequence: missense variant, initiator codon variant.
Genome position (GRCh38, 1-based): chr21:46,111,479, G>A. VCF-style: chr21-46111479-G-A. GRCh37 (hg19) VCF-style: chr21-47531393-G-A.
Other names: c.3G>A, p.Met1Ile (NM_058174.3, NM_058175.3); short protein forms M1I.
Identifiers: ClinVar variation 846791 (VCV000846791.10), dbSNP rs2078397134, ClinGen allele CA410518918.